The following is an entry in ClinVar:

NM_005529.7(HSPG2):c.12838G>A (p.Ala4280Thr)

Genes: HSPG2 (heparan sulfate proteoglycan 2; minus strand), LDLRAD2 (low density lipoprotein receptor class A domain containing 2; plus strand). Cytogenetic location: 1p36.12.
Variant type: single nucleotide variant.
Coding change: c.12838G>A on transcript NM_005529.7 (MANE Select); coding-DNA position 12838, G replaced by A.
Protein change: p.Ala4280Thr; replaces alanine 4280 with threonine.
Molecular consequence: missense variant. On other transcripts: 3 prime UTR variant (1).
Genome position (GRCh38, 1-based): chr1:21,824,182, C>T on the plus strand (G>A on the coding strand, the complement: HSPG2 is on the minus strand). VCF-style: chr1-21824182-C-T. GRCh37 (hg19) VCF-style: chr1-22150675-C-T.
Other names: c.12841G>A, p.Ala4281Thr (NM_001291860.2); c.*1967C>T (NM_001013693.3); short protein forms A4280T, A4281T.
Identifiers: ClinVar variation 5006050 (VCV005006050.2).

ClinVar aggregate classification (germline): Uncertain significance (1 of 4 stars; one submission).

Conditions:
Schwartz-Jampel syndrome type 1 (SJS1). Also called: MYOTONIC MYOPATHY, DWARFISM, CHONDRODYSTROPHY, AND OCULAR AND FACIAL ABNORMALITIES; CHONDRODYSTROPHIC MYOTONIA. Identifiers: MedGen C4551479, MONDO:0100435, OMIM 255800.
Lethal Kniest-like syndrome (DDSH). Also called: Dyssegmental Dysplasia. Identifiers: Orphanet 1865, MedGen C1857100, MONDO:0009140, OMIM 224410.

gnomAD v4.1: 3 of 1,613,744 alleles (0.00019%); highest among the groups gnomAD compares: South Asian, 0.0033%; no homozygotes.

Submission:

Juno Genomics, Hangzhou Juno Genomics, Inc
Classification: Uncertain significance for Lethal Kniest-like syndrome; Schwartz-Jampel syndrome type 1. Review status: criteria provided, single submitter. Criteria: ACMG Guidelines, 2015. Collection method: clinical testing. Allele origin: germline.
Comment: Absent from controls (or at extremely low frequency if recessive) in Genome Aggregation Database.;Missense variant in a gene that has a low rate of benign missense variation.